The following is an entry in ClinVar:

ClinVar aggregate classification (germline): Uncertain significance (1 of 4 stars; one submission).

Allele frequency attached by ClinVar (database versions not stated): gnomAD 0.00003; gnomAD exomes 0.00003 and 0.00007; ExAC 0.00006; TOPMed 0.00008.
gnomAD v4.1: 48 of 1,612,808 alleles (0.003%); highest among the groups gnomAD compares: East Asian, 0.033%; no homozygotes.

Submission:

Labcorp Genetics (formerly Invitae), Labcorp
Classification: Uncertain significance. Last evaluated: 2021-10-15. Review status: criteria provided, single submitter. Criteria: Invitae Variant Classification Sherloc (09022015). Collection method: clinical testing. Allele origin: germline.
Comment: This sequence change replaces serine with leucine at codon 864 of the SKIV2L protein (p.Ser864Leu). The serine residue is moderately conserved and there is a large physicochemical difference between serine and leucine. This variant is present in population databases (rs765832592, ExAC 0.06%). This variant has not been reported in the literature in individuals affected with SKIV2L-related conditions. Algorithms developed to predict the effect of missense changes on protein structure and function are either unavailable or do not agree on the potential impact of this missense change (SIFT: "Deleterious"; PolyPhen-2: "Benign"; Align-GVGD: "Class C0"). In summary, the available evidence is currently insufficient to determine the role of this variant in disease. Therefore, it has been classified as a Variant of Uncertain Significance.

NM_006929.5(SKIC2):c.2591C>T (p.Ser864Leu)

Gene: SKIC2 (SKI2 subunit of superkiller complex; plus strand). Cytogenetic location: 6p21.33.
Variant type: single nucleotide variant.
Coding change: c.2591C>T on transcript NM_006929.5 (MANE Select); coding-DNA position 2591, C replaced by T.
Protein change: p.Ser864Leu; replaces serine 864 with leucine.
Molecular consequence: missense variant.
Genome position (GRCh38, 1-based): chr6:31,967,722, C>T. VCF-style: chr6-31967722-C-T. GRCh37 (hg19) VCF-style: chr6-31935499-C-T.
Other names: short protein forms S864L.
Identifiers: ClinVar variation 1416287 (VCV001416287.3), dbSNP rs765832592, ClinGen allele CA3729835.